The following is an entry in ClinVar:

NM_000038.6(APC):c.1133A>C (p.Glu378Ala)

Gene: APC (APC regulator of Wnt signaling pathway; plus strand). Cytogenetic location: 5q22.2.
Variant type: single nucleotide variant.
Coding change: c.1133A>C on transcript NM_000038.6 (MANE Select); coding-DNA position 1133, A replaced by C.
Protein change: p.Glu378Ala; replaces glutamic acid 378 with alanine.
Molecular consequence: missense variant. On other transcripts: intron variant (4).
Genome position (GRCh38, 1-based): chr5:112,819,165, A>C. VCF-style: chr5-112819165-A-C. GRCh37 (hg19) VCF-style: chr5-112154862-A-C.
Other names: c.1133A>C, p.Glu378Ala (NM_001127510.3, NM_001354895.2, NM_001354896.2 and 4 more transcripts); c.1079A>C, p.Glu360Ala (NM_001127511.3); c.1163A>C, p.Glu388Ala (NM_001354897.2, NM_001407446.1); c.1058A>C, p.Glu353Ala (NM_001354898.2, NM_001407451.1); c.1049A>C, p.Glu350Ala (NM_001354899.2, NM_001407452.1); c.956A>C, p.Glu319Ala (NM_001354900.2, NM_001354901.2, NM_001407453.1); c.284A>C, p.Glu95Ala (NM_001354906.2, NM_001407470.1); c.964-104A>C (NM_001354902.2); and 3 more; short protein forms E360A, E319A, E95A, E350A, E353A, E378A, E388A.
Identifiers: ClinVar variation 1728943 (VCV001728943.3), dbSNP rs2149781547, ClinGen allele CA16023789.

ClinVar aggregate classification (germline): Uncertain significance. Review status: criteria provided, multiple submitters, no conflicts (2 of 4 stars). 2 submissions from 2 submitters: Uncertain significance (2). Last evaluated 2023-05-16.

Conditions:
Hereditary cancer-predisposing syndrome. Also called: Hereditary neoplastic syndrome; Hereditary Cancer Syndrome; Tumor predisposition; Neoplastic Syndromes, Hereditary. Identifiers: Orphanet 140162, MedGen C0027672, MeSH D009386, MONDO:0015356.

Allele frequency attached by ClinVar (database versions not stated): gnomAD exomes below 0.00001.
gnomAD v4.1: 1 of 1,614,034 alleles (0.000062%); highest among the groups gnomAD compares: Non-Finnish European, 0.000085%; no homozygotes.

Submissions (2):

Blueprint Genetics
Classification: Uncertain significance. Last evaluated: 2023-05-16. Review status: criteria provided, single submitter. Criteria: ACMG Guidelines, 2015. Collection method: clinical testing. Allele origin: germline.

Ambry Genetics
Classification: Uncertain significance for Hereditary cancer-predisposing syndrome. Last evaluated: 2021-07-07. Review status: criteria provided, single submitter. Criteria: Ambry Variant Classification Scheme 2023. Collection method: clinical testing. Allele origin: germline.
Comment: The p.E378A variant (also known as c.1133A>C), located in coding exon 9 of the APC gene, results from an A to C substitution at nucleotide position 1133. The glutamic acid at codon 378 is replaced by alanine, an amino acid with dissimilar properties. This amino acid position is highly conserved in available vertebrate species. In addition, in silico predictors for this gene do not accurately predict pathogenicity. Since supporting evidence is limited at this time, the clinical significance of this alteration remains unclear.